The following is an entry in ClinVar:

ClinVar aggregate classification (germline): Likely benign (1 of 4 stars; one submission).

gnomAD v4.1: 387 of 1,598,602 alleles (0.024%); highest among the groups gnomAD compares: Middle Eastern, 0.033%; 1 homozygote.

Submission:

CeGaT Center for Human Genetics Tuebingen
Classification: Likely benign. Last evaluated: 2026-04-01. Review status: criteria provided, single submitter. Criteria: CeGaT Center For Human Genetics Tuebingen Variant Classification Criteria Version 2. Collection method: clinical testing. Allele origin: germline. Affected: yes. Observed: 1 variant allele.
Comment: GIGYF1: BP4, BP7

NM_001375765.1(GIGYF1):c.705C>T (p.Pro235=)

Gene: GIGYF1 (GRB10 interacting GYF protein 1; minus strand). Cytogenetic location: 7q22.1.
Variant type: single nucleotide variant.
Coding change: c.705C>T on transcript NM_001375765.1 (MANE Select); coding-DNA position 705, C replaced by T.
Protein change: p.Pro235=; no amino-acid change (proline 235 retained).
Molecular consequence: synonymous variant. On other transcripts: non-coding transcript variant (1).
Genome position (GRCh38, 1-based): chr7:100,686,423, G>A on the plus strand (C>T on the coding strand, the complement: GIGYF1 is on the minus strand). VCF-style: chr7-100686423-G-A. GRCh37 (hg19) VCF-style: chr7-100284046-G-A.
Other names: c.705C>T, p.Pro235= (NM_001375763.1, NM_001375764.1, NM_001375766.1 and 6 more transcripts).
Identifiers: ClinVar variation 4872202 (VCV004872202.2).